The following is an entry in ClinVar:

ClinVar aggregate classification (germline): Uncertain significance (1 of 4 stars; one submission).

Conditions:
Peroxisome biogenesis disorder, complementation group K (CGK). Identifiers: MedGen C1866257, MONDO:0800365.

gnomAD v4.1: 1 of 1,597,738 alleles (0.000063%); no homozygotes.

Submission:

Labcorp Genetics (formerly Invitae), Labcorp
Classification: Uncertain significance for Peroxisome biogenesis disorder, complementation group K. Last evaluated: 2021-11-17. Review status: criteria provided, single submitter. Criteria: Invitae Variant Classification Sherloc (09022015). Collection method: clinical testing. Allele origin: germline.
Comment: This variant has not been reported in the literature in individuals affected with PEX14-related conditions. This variant is not present in population databases (gnomAD no frequency). This sequence change replaces glutamic acid, which is acidic and polar, with lysine, which is basic and polar, at codon 326 of the PEX14 protein (p.Glu326Lys). Algorithms developed to predict the effect of missense changes on protein structure and function (SIFT, PolyPhen-2, Align-GVGD) all suggest that this variant is likely to be tolerated. In summary, the available evidence is currently insufficient to determine the role of this variant in disease. Therefore, it has been classified as a Variant of Uncertain Significance.

NM_004565.3(PEX14):c.976G>A (p.Glu326Lys)

Gene: PEX14 (peroxisomal biogenesis factor 14; plus strand). Cytogenetic location: 1p36.22.
Variant type: single nucleotide variant.
Coding change: c.976G>A on transcript NM_004565.3 (MANE Select); coding-DNA position 976, G replaced by A.
Protein change: p.Glu326Lys; replaces glutamic acid 326 with lysine.
Molecular consequence: missense variant.
Genome position (GRCh38, 1-based): chr1:10,629,829, G>A. VCF-style: chr1-10629829-G-A. GRCh37 (hg19) VCF-style: chr1-10689886-G-A.
Other names: short protein forms E326K.
Identifiers: ClinVar variation 1447897 (VCV001447897.6), dbSNP rs748930085, ClinGen allele CA17855133.